The following is an entry in ClinVar:

ClinVar aggregate classification (germline): Benign (1 of 4 stars; one submission).

Conditions:
Frank-Ter Haar syndrome. Also called: BORRONE DERMATOCARDIOSKELETAL SYNDROME; TER HAAR SYNDROME; MELNICK-NEEDLES SYNDROME, AUTOSOMAL RECESSIVE; Borrone di Rocco Crovato syndrome. Identifiers: Orphanet 1266, Orphanet 137834, MedGen C1855305, MONDO:0009579, OMIM 249420.

Allele frequency attached by ClinVar (database versions not stated): TOPMed 0.08966; 1000 Genomes Project 0.09026; 1000 Genomes Project 30x 0.09650; gnomAD 0.07883 and 0.08314.
gnomAD v4.1: 20,490 of 985,440 alleles (2.1%); highest among the groups gnomAD compares: African/African-American, 26%; 1,929 homozygotes.

Submission:

Illumina Laboratory Services, Illumina
Classification: Benign for Frank-Ter Haar syndrome. Last evaluated: 2018-01-13. Review status: criteria provided, single submitter. Criteria: ICSL Variant Classification Criteria 13 December 2019. Collection method: clinical testing. Allele origin: germline.
Comment: This variant was observed in the ICSL laboratory as part of a predisposition screen in an ostensibly healthy population. It had not been previously curated by ICSL or reported in the Human Gene Mutation Database (HGMD: prior to June 1st, 2018), and was therefore a candidate for classification through an automated scoring system. Utilizing variant allele frequency, disease prevalence and penetrance estimates, and inheritance mode, an automated score was calculated to assess if this variant is too frequent to cause the disease. Based on the score and internal cut-off values, a variant classified as benign is not then subjected to further curation. The score for this variant resulted in a classification of benign for this disease.

NM_001017995.3(SH3PXD2B):c.*754G>A

Gene: SH3PXD2B (SH3 and PX domains 2B; minus strand). Cytogenetic location: 5q35.1.
Variant type: single nucleotide variant.
Coding change: c.*754G>A on transcript NM_001017995.3 (MANE Select); 754 bases downstream of the stop codon, G replaced by A.
Molecular consequence: 3 prime UTR variant. On other transcripts: intron variant (1).
Genome position (GRCh38, 1-based): chr5:172,337,615, C>T on the plus strand (G>A on the coding strand, the complement: SH3PXD2B is on the minus strand). VCF-style: chr5-172337615-C-T. GRCh37 (hg19) VCF-style: chr5-171764619-C-T.
Other names: c.1188+8521G>A (NM_001308175.2).
Identifiers: ClinVar variation 352785 (VCV000352785.5), dbSNP rs7705594, ClinGen allele CA10624057.